The following is an entry in ClinVar:

NM_001174147.2(LMX1B):c.871C>T (p.Gln291Ter)

Gene: LMX1B (LIM homeobox transcription factor 1 beta; plus strand). Cytogenetic location: 9q33.3.
Variant type: single nucleotide variant.
Coding change: c.871C>T on transcript NM_001174147.2 (MANE Select); coding-DNA position 871, C replaced by T.
Protein change: p.Gln291Ter; replaces glutamine 291 with a stop codon.
Molecular consequence: nonsense.
Genome position (GRCh38, 1-based): chr9:126,693,797, C>T. VCF-style: chr9-126693797-C-T. GRCh37 (hg19) VCF-style: chr9-129456076-C-T.
Other names: c.871C>T, p.Gln291Ter (NM_001174146.2, NM_002316.4); short protein forms Q291*.
Identifiers: ClinVar variation 2572003 (VCV002572003.1), dbSNP rs1211397810, ClinGen allele CA374914141.
Genomic context (GRCh38, chr9:126,693,797, plus strand): 5'-TCCCTGCAGATGAAGAAGCTGGCGCGGCGGCACCAGCAGCAGCAGGAGCAGCAGAACTCC[C>T]AGCGGCTGGGCCAGGGTGAGCCGGGGCCGGGGCAGGGCCTGGGCCAGGGTGAGCTGGGGC-3'

ClinVar aggregate classification (germline): Pathogenic (1 of 4 stars; one submission).

Submission:

GeneDx
Classification: Pathogenic. Last evaluated: 2023-06-29. Review status: criteria provided, single submitter. Criteria: GeneDx Variant Classification Process June 2021. Collection method: clinical testing. Allele origin: germline. Affected: yes.
Comment: Nonsense variant predicted to result in protein truncation or nonsense mediated decay in a gene for which loss-of-function is a known mechanism of disease; Has not been previously published as pathogenic or benign to our knowledge